The following is an entry in ClinVar:

NM_000340.2(SLC2A2):c.495T>C (p.Cys165=)

Gene: SLC2A2 (solute carrier family 2 member 2; minus strand). Cytogenetic location: 3q26.2.
Variant type: single nucleotide variant.
Coding change: c.495T>C on transcript NM_000340.2 (MANE Select); coding-DNA position 495, T replaced by C.
Protein change: p.Cys165=; no amino-acid change (cysteine 165 retained).
Molecular consequence: synonymous variant. On other transcripts: intron variant (1).
Genome position (GRCh38, 1-based): chr3:171,009,959, A>G on the plus strand (T>C on the coding strand, the complement: SLC2A2 is on the minus strand). VCF-style: chr3-171009959-A-G. GRCh37 (hg19) VCF-style: chr3-170727748-A-G.
Other names: c.138T>C, p.Cys46= (NM_001278658.2); c.-23-2696T>C (NM_001278659.2).
Identifiers: ClinVar variation 900095 (VCV000900095.8), dbSNP rs5401, ClinGen allele CA2702691.

ClinVar aggregate classification (germline): Uncertain significance. Review status: criteria provided, multiple submitters, no conflicts (2 of 4 stars). 2 submissions from 2 submitters: Uncertain significance (2). Last evaluated 2025-11-17.

Conditions:
Fanconi-Bickel syndrome (FBS). Also called: Glycogen storage disease due to GLUT2 deficiency; FANCONI SYNDROME WITH INTESTINAL MALABSORPTION AND GALACTOSE INTOLERANCE; HEPATIC GLYCOGENOSIS WITH AMINO ACIDURIA AND GLUCOSURIA; HEPATIC GLYCOGENOSIS WITH FANCONI NEPHROPATHY; HEPATORENAL GLYCOGENOSIS WITH RENAL FANCONI SYNDROME; PSEUDO-PHLORIZIN DIABETES. Identifiers: Orphanet 2088, MedGen C3495427, MONDO:0009216, OMIM 227810.

Allele frequency attached by ClinVar (database versions not stated): ExAC 0.00005; gnomAD 0.00001; gnomAD exomes 0.00001 and 0.00004.
gnomAD v4.1: 23 of 1,590,292 alleles (0.0014%); highest among the groups gnomAD compares: Admixed American, 0.0069%; no homozygotes.

Submissions (2):

Labcorp Genetics (formerly Invitae), Labcorp
Classification: Uncertain significance for Fanconi-Bickel syndrome. Last evaluated: 2025-11-17. Review status: criteria provided, single submitter. Criteria: Invitae Variant Classification Sherloc (09022015). Collection method: clinical testing. Allele origin: germline.
Comment: This sequence change affects codon 165 of the SLC2A2 mRNA. It is a 'silent' change, meaning that it does not change the encoded amino acid sequence of the SLC2A2 protein. It affects a nucleotide within the consensus splice site. This variant is present in population databases (rs5401, gnomAD 0.01%). This variant has not been reported in the literature in individuals affected with SLC2A2-related conditions. ClinVar contains an entry for this variant (Variation ID: 900095). Algorithms developed to predict the effect of sequence changes on RNA splicing suggest that this variant is not likely to affect RNA splicing. In summary, the available evidence is currently insufficient to determine the role of this variant in disease. Therefore, it has been classified as a Variant of Uncertain Significance.

Illumina Laboratory Services, Illumina
Classification: Uncertain significance for Fanconi-Bickel syndrome. Last evaluated: 2018-01-12. Review status: criteria provided, single submitter. Criteria: ICSL Variant Classification Criteria 13 December 2019. Collection method: clinical testing. Allele origin: germline.